The following is an entry in ClinVar:

NM_001009944.3(PKD1):c.10861C>T (p.Arg3621Trp)

Genes: PKD1 (polycystin 1, transient receptor potential channel interacting; minus strand), PKD1-AS1 (PKD1 antisense RNA 1; plus strand). Cytogenetic location: 16p13.3.
Variant type: single nucleotide variant.
Coding change: c.10861C>T on transcript NM_001009944.3 (MANE Select); coding-DNA position 10861, C replaced by T.
Protein change: p.Arg3621Trp; replaces arginine 3621 with tryptophan.
Molecular consequence: missense variant.
Genome position (GRCh38, 1-based): chr16:2,093,699, G>A on the plus strand (C>T on the coding strand, the complement: PKD1 is on the minus strand). VCF-style: chr16-2093699-G-A. GRCh37 (hg19) VCF-style: chr16-2143700-G-A.
Other names: c.10858C>T (NM_000296.3); c.10858C>T, p.Arg3620Trp (NM_000296.4); short protein forms R3620W, R3621W.
Identifiers: ClinVar variation 3369588 (VCV003369588.3).
Genomic context (GRCh38, chr16:2,093,699, plus strand): 5'-CGCTCACAGGCGTCACAGCCGGGCTCTCTACCAGGGTGTCATCTTCATCCGGGTGCAGCC[G>A]CTTGGCCACCAGTGAGAAGTACAGGGCTTCCAGCAAGACCTGGGGAGGGGGTGGCTTCAG-3'
Protein context (NP_001009944.3, residues 3611-3631): EALYFSLVAK[Arg3621Trp]LHPDEDDTLV

ClinVar aggregate classification (germline): Uncertain significance. Review status: criteria provided, multiple submitters, no conflicts (2 of 4 stars). 3 submissions from 3 submitters: Uncertain significance (3). Last evaluated 2025-10-18.

Conditions:
Inborn genetic diseases. Identifiers: MedGen C0950123, MeSH D030342.
PKD1-related disorder. Also called: PKD1-related condition.

gnomAD v4.1: 4 of 1,598,642 alleles (0.00025%); highest among the groups gnomAD compares: East Asian, 0.0023%; no homozygotes.

Submissions (3):

Ambry Genetics
Classification: Uncertain significance for Inborn genetic diseases. Last evaluated: 2025-10-18. Review status: criteria provided, single submitter. Criteria: Ambry Variant Classification Scheme 2023. Collection method: clinical testing. Allele origin: germline.

PreventionGenetics, part of Exact Sciences
Classification: Uncertain significance for PKD1-related condition. Last evaluated: 2024-11-19. Review status: criteria provided, single submitter. Criteria: ACMG Guidelines, 2015. Collection method: clinical testing. Allele origin: germline.
Comment: The PKD1 c.10861C>T variant is predicted to result in the amino acid substitution p.Arg3621Trp. To our knowledge, this variant has not been reported in the literature or in a large population database (gnomAD), indicating this variant is rare. At this time, the clinical significance of this variant is uncertain due to the absence of conclusive functional and genetic evidence.

GeneDx
Classification: Uncertain significance. Last evaluated: 2024-02-29. Review status: criteria provided, single submitter. Criteria: GeneDx Variant Classification Process June 2021. Collection method: clinical testing. Allele origin: germline. Affected: yes.
Comment: Not observed at significant frequency in large population cohorts (gnomAD); In silico analysis supports that this missense variant has a deleterious effect on protein structure/function; Has not been previously published as pathogenic or benign to our knowledge